The following is an entry in ClinVar:

NC_000016.9:g.(?_81990280)_(81991603_?)dup

Gene: PLCG2 (phospholipase C gamma 2; plus strand). Cytogenetic location: 16q23.3.
Variant type: Duplication.
Identifiers: ClinVar variation 3243512 (VCV003243512.1).

ClinVar aggregate classification (germline): Uncertain significance (1 of 4 stars; one submission).

Conditions:
Familial cold autoinflammatory syndrome 3 (FCAS3). Also called: FAMILIAL ATYPICAL COLD URTICARIA; ANTIBODY DEFICIENCY AND IMMUNE DYSREGULATION, PLCG2-ASSOCIATED. Identifiers: Orphanet 300359, MedGen C3280914, MONDO:0013766, OMIM 614468.

Submission:

Labcorp Genetics (formerly Invitae), Labcorp
Classification: Uncertain significance for Familial cold autoinflammatory syndrome 3. Last evaluated: 2023-08-16. Review status: criteria provided, single submitter. Criteria: Invitae Variant Classification Sherloc (09022015). Collection method: clinical testing. Allele origin: unknown.
Comment: This variant has not been reported in the literature in individuals affected with PLCG2-related conditions. This variant results in a copy number gain of the genomic region encompassing exon(s) 32-33 of the PLCG2 gene. This region includes the termination codon of the gene. This copy number gain extends beyond the assayed region for this gene and therefore may encompass additional genes. As the precise location of this event is unknown, it may be in tandem or it may be located elsewhere in the genome. Experimental studies and prediction algorithms are not available or were not evaluated, and the functional significance of this variant is currently unknown. In summary, the available evidence is currently insufficient to determine the role of this variant in disease. Therefore, it has been classified as a Variant of Uncertain Significance.